The following is an entry in ClinVar:

ClinVar aggregate classification (germline): Likely pathogenic. Review status: criteria provided, multiple submitters, no conflicts (2 of 4 stars). 2 submissions from 2 submitters: Likely pathogenic (2). Last evaluated 2024-02-24.

Conditions:
Autosomal recessive osteopetrosis 1. Also called: ALBERS-SCHONBERG DISEASE, AUTOSOMAL RECESSIVE; TCIRG1-Related Autosomal Recessive Osteopetrosis; TCIRG1-Related Osteopetrosis. Identifiers: Orphanet 667, MedGen C1850127, MONDO:0009815, OMIM 259700.

Submissions (2):

Labcorp Genetics (formerly Invitae), Labcorp
Classification: Likely pathogenic. Last evaluated: 2024-02-24. Review status: criteria provided, single submitter. Criteria: Invitae Variant Classification Sherloc (09022015). Collection method: clinical testing. Allele origin: germline.
Comment: This sequence change affects a donor splice site in intron 8 of the TCIRG1 gene. It is expected to disrupt RNA splicing. Variants that disrupt the donor or acceptor splice site typically lead to a loss of protein function (PMID: 16199547), and loss-of-function variants in TCIRG1 are known to be pathogenic (PMID: 10888887, 10942435, 11532986, 19448635). This variant is not present in population databases (gnomAD no frequency). This variant has not been reported in the literature in individuals affected with TCIRG1-related conditions. Algorithms developed to predict the effect of sequence changes on RNA splicing suggest that this variant may disrupt the consensus splice site. In summary, the currently available evidence indicates that the variant is pathogenic, but additional data are needed to prove that conclusively. Therefore, this variant has been classified as Likely Pathogenic.

Baylor Genetics
Classification: Likely pathogenic for Autosomal recessive osteopetrosis 1. Last evaluated: 2023-04-04. Review status: criteria provided, single submitter. Criteria: ACMG Guidelines, 2015. Collection method: clinical testing. Allele origin: unknown.

Literature cited by the submitters: PubMed 16199547 (cited by Labcorp Genetics (formerly Invitae), Labcorp); PubMed 10888887 (cited by Labcorp Genetics (formerly Invitae), Labcorp); PubMed 10942435 (cited by Labcorp Genetics (formerly Invitae), Labcorp); PubMed 11532986 (cited by Labcorp Genetics (formerly Invitae), Labcorp); PubMed 19448635 (cited by Labcorp Genetics (formerly Invitae), Labcorp).

NM_006019.4(TCIRG1):c.807+1G>A

Gene: TCIRG1 (T cell immune regulator 1, ATPase H+ transporting V0 subunit a3; plus strand). Cytogenetic location: 11q13.2.
Variant type: single nucleotide variant.
Coding change: c.807+1G>A on transcript NM_006019.4 (MANE Select); the canonical splice donor site of the intron after coding-DNA position 807, G replaced by A.
Molecular consequence: splice donor variant.
Genome position (GRCh38, 1-based): chr11:68,043,908, G>A. VCF-style: chr11-68043908-G-A. GRCh37 (hg19) VCF-style: chr11-67811375-G-A.
Other names: c.-88+1G>A (NM_001351059.2); c.159+1G>A (NM_006053.4).
Identifiers: ClinVar variation 2679125 (VCV002679125.3), dbSNP rs1458295257, ClinGen allele CA381579614.
Genomic context (GRCh38, chr11:68,043,908, plus strand): 5'-GAGGAGGCCCGCCTCGGGGCCCTGCAGCAGCTGCAACAGCAGAGCCAGGAGCTGCAGGAG[G>A]TGGGTGCCCCCGGCCTTCCGGAGGCGGGTGTAGGAGGTGGGTGCCCCCGGCCTCCCGGAG-3'